The following is an entry in ClinVar:

ClinVar aggregate classification (germline): Uncertain significance. Review status: criteria provided, multiple submitters, no conflicts (2 of 4 stars). 2 submissions from 2 submitters: Uncertain significance (2). Last evaluated 2025-10-23.

Allele frequency attached by ClinVar (database versions not stated): gnomAD 0.00001; TOPMed 0.00002.
gnomAD v4.1: 4 of 1,612,632 alleles (0.00025%); highest among the groups gnomAD compares: Admixed American, 0.0033%; no homozygotes.

Submissions (2):

Ambry Genetics
Classification: Uncertain significance. Last evaluated: 2025-10-23. Review status: criteria provided, single submitter. Criteria: Ambry Variant Classification Scheme 2023. Collection method: clinical testing. Allele origin: germline.
Comment: The p.G962C variant (also known as c.2884G>T), located in coding exon 24 of the A2ML1 gene, results from a G to T substitution at nucleotide position 2884. The glycine at codon 962 is replaced by cysteine, an amino acid with highly dissimilar properties. This amino acid position is conserved. In addition, this alteration is predicted to be tolerated by in silico analysis. Based on the available evidence, the clinical significance of this variant remains unclear.

Labcorp Genetics (formerly Invitae), Labcorp
Classification: Uncertain significance. Last evaluated: 2022-10-07. Review status: criteria provided, single submitter. Criteria: Invitae Variant Classification Sherloc (09022015). Collection method: clinical testing. Allele origin: germline.
Comment: In summary, the available evidence is currently insufficient to determine the role of this variant in disease. Therefore, it has been classified as a Variant of Uncertain Significance. Algorithms developed to predict the effect of missense changes on protein structure and function are either unavailable or do not agree on the potential impact of this missense change (SIFT: "Deleterious"; PolyPhen-2: "Benign"; Align-GVGD: "Class C0"). ClinVar contains an entry for this variant (Variation ID: 1468821). This variant has not been reported in the literature in individuals affected with A2ML1-related conditions. This variant is not present in population databases (gnomAD no frequency). This sequence change replaces glycine, which is neutral and non-polar, with cysteine, which is neutral and slightly polar, at codon 962 of the A2ML1 protein (p.Gly962Cys).

NM_144670.6(A2ML1):c.2884G>T (p.Gly962Cys)

Gene: A2ML1 (alpha-2-macroglobulin like 1; plus strand). Cytogenetic location: 12p13.31.
Variant type: single nucleotide variant.
Coding change: c.2884G>T on transcript NM_144670.6 (MANE Select); coding-DNA position 2884, G replaced by T.
Protein change: p.Gly962Cys; replaces glycine 962 with cysteine.
Molecular consequence: missense variant.
Genome position (GRCh38, 1-based): chr12:8,857,199, G>T. VCF-style: chr12-8857199-G-T. GRCh37 (hg19) VCF-style: chr12-9009795-G-T.
Other names: c.1411G>T, p.Gly471Cys (NM_001282424.3); c.2884G>T (NM_144670.3); short protein forms G962C, G471C.
Identifiers: ClinVar variation 1468821 (VCV001468821.9), dbSNP rs1302126744, ClinGen allele CA383836138.